The following is an entry in ClinVar:

NM_000388.4(CASR):c.590T>A (p.Met197Lys)

Gene: CASR (calcium sensing receptor; plus strand). Cytogenetic location: 3q21.1.
Variant type: single nucleotide variant.
Coding change: c.590T>A on transcript NM_000388.4 (MANE Select); coding-DNA position 590, T replaced by A.
Protein change: p.Met197Lys; replaces methionine 197 with lysine.
Molecular consequence: missense variant.
Genome position (GRCh38, 1-based): chr3:122,261,625, T>A. VCF-style: chr3-122261625-T-A. GRCh37 (hg19) VCF-style: chr3-121980472-T-A.
Other names: c.590T>A, p.Met197Lys (NM_001178065.2); short protein forms M197K.
Identifiers: ClinVar variation 1043520 (VCV001043520.9), dbSNP rs774235352, ClinGen allele CA354150912.

ClinVar aggregate classification (germline): Uncertain significance (1 of 4 stars; one submission).

Conditions:
Familial hypocalciuric hypercalcemia (FHH). Also called: Familial benign hypercalcemia. Identifiers: Orphanet 405, MedGen C1809471, MONDO:0018458.
Autosomal dominant hypocalcemia 1 (HYPOC1). Also called: HYPOCALCEMIA, FAMILIAL. Identifiers: MedGen C3715128, MONDO:0011013, OMIM 601198.

Submission:

Labcorp Genetics (formerly Invitae), Labcorp
Classification: Uncertain significance for Familial hypocalciuric hypercalcemia; Autosomal dominant hypocalcemia 1. Last evaluated: 2024-03-28. Review status: criteria provided, single submitter. Criteria: Invitae Variant Classification Sherloc (09022015). Collection method: clinical testing. Allele origin: germline.
Comment: This sequence change replaces methionine, which is neutral and non-polar, with lysine, which is basic and polar, at codon 197 of the CASR protein (p.Met197Lys). This variant is not present in population databases (gnomAD no frequency). This variant has not been reported in the literature in individuals affected with CASR-related conditions. ClinVar contains an entry for this variant (Variation ID: 1043520). An algorithm developed to predict the effect of missense changes on protein structure and function (PolyPhen-2) suggests that this variant is likely to be disruptive. In summary, the available evidence is currently insufficient to determine the role of this variant in disease. Therefore, it has been classified as a Variant of Uncertain Significance.